The following is an entry in ClinVar:

NM_000350.3(ABCA4):c.5646G>T (p.Met1882Ile)

Gene: ABCA4 (ATP binding cassette subfamily A member 4; minus strand). Cytogenetic location: 1p22.1.
Variant type: single nucleotide variant.
Coding change: c.5646G>T on transcript NM_000350.3 (MANE Select); coding-DNA position 5646, G replaced by T.
Protein change: p.Met1882Ile; replaces methionine 1882 with isoleucine.
Molecular consequence: missense variant.
Genome position (GRCh38, 1-based): chr1:94,010,868, C>A on the plus strand (G>T on the coding strand, the complement: ABCA4 is on the minus strand). VCF-style: chr1-94010868-C-A. GRCh37 (hg19) VCF-style: chr1-94476424-C-A.
Other names: c.5424G>T, p.Met1808Ile (NM_001425324.1); short protein forms M1882I, M1808I.
Identifiers: ClinVar variation 1184497 (VCV001184497.10), dbSNP rs752160946, ClinGen allele CA341280828.
Genomic context (GRCh38, chr1:94,010,868, plus strand): 5'-GAGGAAGAAGTGGCGCTGGACCAGCAGGGTCAGGAGGAAGTACACCACCCCTTCCACCAC[C>A]ATGGCAAACAGGTTCTTCCCAATCAGGTCCCAGTGGAACGGATTTGCAGAGTGCTCCTCA-3'
Protein context (NP_000341.2, residues 1872-1892): WDLIGKNLFA[Met1882Ile]VVEGVVYFLL

ClinVar aggregate classification (germline): Pathogenic. Review status: criteria provided, single submitter (1 of 4 stars). 2 submissions from 2 submitters: Pathogenic (1). 1 of the submissions does not count toward it. Last evaluated 2025-06-04.

Conditions:
Retinitis pigmentosa 19 (RP19). Also called: ABCA4-Related Retinitis Pigmentosa. Identifiers: Orphanet 791, MedGen C1866422, MONDO:0011137, OMIM 601718.

Submissions (2):

Labcorp Genetics (formerly Invitae), Labcorp
Classification: Pathogenic. Last evaluated: 2025-06-04. Review status: criteria provided, single submitter. Criteria: Invitae Variant Classification Sherloc (09022015). Collection method: clinical testing. Allele origin: germline.
Comment: This sequence change replaces methionine, which is neutral and non-polar, with isoleucine, which is neutral and non-polar, at codon 1882 of the ABCA4 protein (p.Met1882Ile). This variant is not present in population databases (gnomAD no frequency). This missense change has been observed in individuals with Stargardt disease (PMID: 21911583, 26161775). ClinVar contains an entry for this variant (Variation ID: 1184497). Invitae Evidence Modeling of protein sequence and biophysical properties (such as structural, functional, and spatial information, amino acid conservation, physicochemical variation, residue mobility, and thermodynamic stability) indicates that this missense variant is expected to disrupt ABCA4 protein function with a positive predictive value of 95%. For these reasons, this variant has been classified as Pathogenic.

Genomics England Pilot Project, Genomics England
Classification: Likely pathogenic for Retinitis pigmentosa 19. Review status: no assertion criteria provided. Criteria: ACGS Guidelines, 2016. Collection method: clinical testing. Allele origin: germline. Affected: yes. Not counted in ClinVar's aggregate classification.

Literature cited by the submitters: PubMed 21911583 (cited by Labcorp Genetics (formerly Invitae), Labcorp); PubMed 26161775 (cited by Labcorp Genetics (formerly Invitae), Labcorp).